The following is an entry in ClinVar:

ClinVar aggregate classification (germline): Uncertain significance (1 of 4 stars; one submission).

Allele frequency attached by ClinVar (database versions not stated): gnomAD 0.00001.

Submission:

Labcorp Genetics (formerly Invitae), Labcorp
Classification: Uncertain significance. Last evaluated: 2023-10-16. Review status: criteria provided, single submitter. Criteria: Invitae Variant Classification Sherloc (09022015). Collection method: clinical testing. Allele origin: germline.
Comment: This sequence change replaces glutamine, which is neutral and polar, with histidine, which is basic and polar, at codon 1689 of the KAT6A protein (p.Gln1689His). This variant is not present in population databases (gnomAD no frequency). This variant has not been reported in the literature in individuals affected with KAT6A-related conditions. Experimental studies and prediction algorithms are not available or were not evaluated, and the functional significance of this variant is currently unknown. In summary, the available evidence is currently insufficient to determine the role of this variant in disease. Therefore, it has been classified as a Variant of Uncertain Significance.

NM_006766.5(KAT6A):c.5067G>C (p.Gln1689His)

Gene: KAT6A (lysine acetyltransferase 6A; minus strand). Cytogenetic location: 8p11.21.
Variant type: single nucleotide variant.
Coding change: c.5067G>C on transcript NM_006766.5 (MANE Select); coding-DNA position 5067, G replaced by C.
Protein change: p.Gln1689His; replaces glutamine 1689 with histidine.
Molecular consequence: missense variant.
Genome position (GRCh38, 1-based): chr8:41,933,153, C>G on the plus strand (G>C on the coding strand, the complement: KAT6A is on the minus strand). VCF-style: chr8-41933153-C-G. GRCh37 (hg19) VCF-style: chr8-41790671-C-G.
Other names: short protein forms Q1689H.
Identifiers: ClinVar variation 3003953 (VCV003003953.3), dbSNP rs1821648152, ClinGen allele CA371063722.